The following is an entry in ClinVar:

NM_000548.5(TSC2):c.4792G>A (p.Asp1598Asn)

Gene: TSC2 (TSC complex subunit 2; plus strand). Cytogenetic location: 16p13.3.
Variant type: single nucleotide variant.
Coding change: c.4792G>A on transcript NM_000548.5 (MANE Select); coding-DNA position 4792, G replaced by A.
Protein change: p.Asp1598Asn; replaces aspartic acid 1598 with asparagine.
Molecular consequence: missense variant. On other transcripts: non-coding transcript variant (5).
Genome position (GRCh38, 1-based): chr16:2,086,322, G>A. VCF-style: chr16-2086322-G-A. GRCh37 (hg19) VCF-style: chr16-2136323-G-A.
Other names: c.4591G>A, p.Asp1531Asn (NM_001077183.3); c.4723G>A, p.Asp1575Asn (NM_001114382.3); c.4483G>A, p.Asp1495Asn (NM_001318827.2); c.4447G>A, p.Asp1483Asn (NM_001318829.2); c.4060G>A, p.Asp1354Asn (NM_001318831.2); c.4624G>A, p.Asp1542Asn (NM_001318832.2); c.4594G>A, p.Asp1532Asn (NM_001363528.2); c.4660G>A, p.Asp1554Asn (NM_001370404.1); and 26 more; short protein forms D1083N, D1084N, D1106N, D1107N, D1127N, D1331N, D1332N, D1354N.
Identifiers: ClinVar variation 4866086 (VCV004866086.1).

ClinVar aggregate classification (germline): Uncertain significance (1 of 4 stars; one submission).

Conditions:
Hereditary cancer-predisposing syndrome. Also called: Neoplastic Syndromes, Hereditary; Tumor predisposition; Hereditary Cancer Syndrome; Hereditary neoplastic syndrome. Identifiers: Orphanet 140162, MedGen C0027672, MeSH D009386, MONDO:0015356.

Submission:

Ambry Genetics
Classification: Uncertain significance for Hereditary cancer-predisposing syndrome. Last evaluated: 2026-04-14. Review status: criteria provided, single submitter. Criteria: Ambry Variant Classification Scheme 2023. Collection method: clinical testing. Allele origin: germline.
Comment: The p.D1598N variant (also known as c.4792G>A), located in coding exon 36 of the TSC2 gene, results from a G to A substitution at nucleotide position 4792. The aspartic acid at codon 1598 is replaced by asparagine, an amino acid with highly similar properties. This amino acid position is highly conserved in available vertebrate species. In addition, the in silico prediction for this alteration is inconclusive. Based on the available evidence, the clinical significance of this variant remains unclear.